The following is an entry in ClinVar:

ClinVar aggregate classification (germline): Uncertain significance (1 of 4 stars; one submission).

Conditions:
Early-infantile DEE. Also called: Early infantile epileptic encephalopathy with suppression bursts; Early infantile epileptic encephalopathy; Ohtahara syndrome. Identifiers: Orphanet 1934, MedGen C0393706, MONDO:0800491.

Allele frequency attached by ClinVar (database versions not stated): gnomAD exomes below 0.00001; ExAC 0.00001; gnomAD 0.00001.
gnomAD v4.1: 5 of 1,613,876 alleles (0.00031%); highest among the groups gnomAD compares: African/African-American, 0.0027%; no homozygotes.

Submission:

Labcorp Genetics (formerly Invitae), Labcorp
Classification: Uncertain significance for Early-infantile DEE. Last evaluated: 2022-03-31. Review status: criteria provided, single submitter. Criteria: Invitae Variant Classification Sherloc (09022015). Collection method: clinical testing. Allele origin: germline.
Comment: In summary, the available evidence is currently insufficient to determine the role of this variant in disease. Therefore, it has been classified as a Variant of Uncertain Significance. Algorithms developed to predict the effect of missense changes on protein structure and function (SIFT, PolyPhen-2, Align-GVGD) all suggest that this variant is likely to be tolerated. This variant has not been reported in the literature in individuals affected with SCN8A-related conditions. This variant is present in population databases (rs751112057, gnomAD 0.007%). This sequence change replaces alanine, which is neutral and non-polar, with threonine, which is neutral and polar, at codon 1017 of the SCN8A protein (p.Ala1017Thr).

NM_001330260.2(SCN8A):c.3049G>A (p.Ala1017Thr)

Gene: SCN8A (sodium voltage-gated channel alpha subunit 8; plus strand). Cytogenetic location: 12q13.13.
Variant type: single nucleotide variant.
Coding change: c.3049G>A on transcript NM_001330260.2 (MANE Select); coding-DNA position 3049, G replaced by A.
Protein change: p.Ala1017Thr; replaces alanine 1017 with threonine.
Molecular consequence: missense variant.
Genome position (GRCh38, 1-based): chr12:51,769,012, G>A. VCF-style: chr12-51769012-G-A. GRCh37 (hg19) VCF-style: chr12-52162796-G-A.
Other names: c.3049G>A, p.Ala1017Thr (NM_001177984.3, NM_001369788.1, NM_014191.4); short protein forms A1017T.
Identifiers: ClinVar variation 2188582 (VCV002188582.4), dbSNP rs751112057, ClinGen allele CA6571538.